The following is an entry in ClinVar:

ClinVar aggregate classification (germline): Likely pathogenic (1 of 4 stars; one submission).

Conditions:
Familial dysautonomia. Also called: HSAN III; FD. Identifiers: Orphanet 1764, MedGen C0013364, MONDO:0009131, OMIM 223900. Disease mechanism: loss of function.

Submission:

Natera, Inc.
Classification: Likely pathogenic for Familial dysautonomia. Last evaluated: 2024-03-22. Review status: criteria provided, single submitter. Criteria: Natera Variant Classification Schema (03/2026). Collection method: clinical testing. Allele origin: germline.
Comment: The c.3573-2A>G variant in ELP1 is a canonical splice acceptor site variant predicted to affect pre-mRNA splicing, which may result in an abnormal transcript and altered protein product. This variant is expected to result in nonsense mediated decay, truncation, or a dysfunctional protein product. This variant is rare in the general population with a frequency below the threshold expected for the associated phenotype(s). Given the available evidence, this variant is classified as Likely Pathogenic.

NM_003640.5(ELP1):c.3573-2A>G

Gene: ELP1 (elongator acetyltransferase complex subunit 1; minus strand). Cytogenetic location: 9q31.3.
Variant type: single nucleotide variant.
Coding change: c.3573-2A>G on transcript NM_003640.5 (MANE Select); the canonical splice acceptor site of the intron before coding-DNA position 3573, A replaced by G.
Molecular consequence: splice acceptor variant.
Genome position (GRCh38, 1-based): chr9:108,878,752, T>C on the plus strand (A>G on the coding strand, the complement: ELP1 is on the minus strand). VCF-style: chr9-108878752-T-C. GRCh37 (hg19) VCF-style: chr9-111641032-T-C.
Other names: c.3231-2A>G (NM_001318360.2); c.2526-2A>G (NM_001330749.2).
Identifiers: ClinVar variation 4815233 (VCV004815233.1).
Genomic context (GRCh38, chr9:108,878,752, plus strand): 5'-TGCCTTCTTTGAGGCTGTGCTTCTTCCGCTCCGCTTTTCGGCGATTCTTGGATGATCTCC[T>C]GTTAGAAATTACACAGATATTTTTAAGCCTCCTGAGTAGCTAGGACTACAGGCATGTGCT-3'